The following is an entry in ClinVar:

ClinVar aggregate classification (germline): Pathogenic. Review status: reviewed by expert panel (3 of 4 stars). 28 submissions from 26 submitters: Pathogenic (1). 27 of the submissions do not count toward it. Last evaluated 2023-04-05.

Conditions:
Breast-ovarian cancer, familial, susceptibility to, 5 (BROVCA5). Identifiers: MedGen C5830615, MONDO:0957530, OMIM 620442.
Hereditary cancer-predisposing syndrome. Also called: Tumor predisposition; Hereditary neoplastic syndrome; Neoplastic Syndromes, Hereditary; Hereditary Cancer Syndrome. Identifiers: Orphanet 140162, MedGen C0027672, MeSH D009386, MONDO:0015356.
Fanconi anemia complementation group N. Also called: PALB2-Related Fanconi Anemia. Identifiers: Orphanet 84, MedGen C1835817, MONDO:0012565, OMIM 610832. Disease mechanism: loss of function.
Pancreatic cancer, susceptibility to, 3. Identifiers: Orphanet 1333, MedGen C3150547, MONDO:0013236, OMIM 613348.
PALB2-related disorder. Also called: PALB2-related condition; PALB2-related disorders.
PALB2-related cancer predisposition. Identifiers: MedGen CN377761, MONDO:0700272.
Familial cancer of breast. Also called: Hereditary breast cancer; hereditary breast carcinoma; BREAST CANCER, FAMILIAL. Identifiers: Orphanet 227535, MedGen C0346153, MONDO:0016419, OMIM 114480. Disease mechanism: loss of function.
Hereditary breast ovarian cancer syndrome. Also called: Hereditary breast and ovarian cancer syndrome (HBOC); Hereditary breast and ovarian cancer; Hereditary breast and ovarian cancer syndrome; Breast and ovarian cancer; Hereditary breast and/or ovarian cancer syndrome; BRCA1- and BRCA2-Associated Hereditary Breast and Ovarian Cancer. Identifiers: Orphanet 145, MedGen C0677776, MeSH D061325, MONDO:0003582. Disease mechanism: loss of function.
Breast-ovarian cancer, familial, susceptibility to, 1 (BROVCA1). Also called: BRCA1 Hereditary Breast and Ovarian Cancer; OVARIAN CANCER, SUSCEPTIBILITY TO. Identifiers: Orphanet 145, MedGen C2676676, MONDO:0011450, OMIM 604370. Disease mechanism: loss of function.

gnomAD v4.1: 5 of 1,612,120 alleles (0.00031%); highest among the groups gnomAD compares: Non-Finnish European, 0.00042%; no homozygotes.

Submissions 1 to 7 of 28:

ClinGen Hereditary Breast, Ovarian and Pancreatic Cancer Variant Curation Expert Panel, ClinGen
Classification: Pathogenic for PALB2-related cancer predisposition. Last evaluated: 2023-04-05. Review status: reviewed by expert panel. Criteria: ClinGen HBOP VCEP ACMG Specifications PALB2 V1.0.0. Collection method: curation. Allele origin: germline. Inheritance: Autosomal dominant inheritance.
Comment: The c.3549C>A (p.Tyr1183Ter) variant in PALB2 is a nonsense variant that may cause a premature stop codon that is predicted to escape nonsense mediated decay, however it is a truncation of a functionally important region (removes amino acids 1183-1186) in a gene where loss-of-function is an established disease mechanism. This variant, or another variant leading to the same protein truncation, has been detected in three individuals with autosomal recessive FANCN. Of those individuals, three were compound heterozygous for the variant and a pathogenic or likely pathogenic variant and three of those were confirmed in trans by parental testing (co-occurring variants: c.2257C>T (p.Arg753Ter); c.2962C>T (p.Gln988Ter); c.3116delA (p.Asn1039Ilefs*2): PMID 17200671). The variant has been reported to segregate with breast and/or pancreatic cancer in 15 affected members from 6 families (Invitae; Ambry Genetics). This variant is non-functional in multiple different protein assays (PMID 31757951, PMID 31636395); however due to a lack of positive missense controls with known clinical impact, these protein assays do not meet the requirements for use by the HBOP VCEP. In summary, this variant meets the criteria to be classified as pathogenic for autosomal dominant hereditary breast and pancreatic cancer and autosomal recessive FANCN based on the ACMG/AMP criteria applied, as specified by the HBOP VCEP. (PVS1, PP1_Strong, PM3_Strong)

Praxis Für Humangenetik, Biosciencia MVZ Labor Saar
Classification: Pathogenic for Breast-ovarian cancer, familial, susceptibility to, 5. Last evaluated: 2026-04-21. Review status: criteria provided, single submitter. Criteria: ACMG Guidelines, 2015. Collection method: clinical testing. Allele origin: germline. Inheritance: Autosomal dominant inheritance. Affected: yes. Observed: 1 variant allele, 1 heterozygote. Not counted in ClinVar's aggregate classification.

Labcorp Genetics (formerly Invitae), Labcorp
Classification: Pathogenic for Familial cancer of breast. Last evaluated: 2026-01-19. Review status: criteria provided, single submitter. Criteria: Invitae Variant Classification Sherloc (09022015). Collection method: clinical testing. Allele origin: germline. Not counted in ClinVar's aggregate classification.
Comment: This sequence change creates a premature translational stop signal (p.Tyr1183*) in the PALB2 gene. While this is not anticipated to result in nonsense mediated decay, it is expected to disrupt the last 4 amino acid(s) of the PALB2 protein. This variant is present in population databases (rs118203998, gnomAD 0.0009%). This premature translational stop signal has been observed in individual(s) with breast cancer and Fanconi anemia (PMID: 17200671, 20927582, 21165770, 21365267, 26283626, 26296701). In at least one individual the data is consistent with being in trans (on the opposite chromosome) from a pathogenic variant. ClinVar contains an entry for this variant (Variation ID: 128144). Algorithms developed to predict the effect of variants on gene product structure and function are not available or were not evaluated for this variant. Experimental studies have shown that this premature translational stop signal affects PALB2 function (PMID: 17200671, 19609323, 31757951). For these reasons, this variant has been classified as Pathogenic.

PreventionGenetics, part of Exact Sciences
Classification: Pathogenic for PALB2-related condition. Last evaluated: 2025-11-30. Review status: criteria provided, single submitter. Criteria: ACMG Guidelines, 2015. Collection method: clinical testing. Allele origin: germline. Not counted in ClinVar's aggregate classification.
Comment: The PALB2 c.3549C>A variant is predicted to result in premature protein termination (p.Tyr1183*). This variant has been identified in individuals with breast cancer, ovarian cancer, melanoma, and pancreatic cancer (Rahman et al. 2007. PubMed ID: 17200668; Tischkowitz et al. 2012. PubMed ID: 22241545; Table S2, Ramus et al. 2015. PubMed ID: 26315354; Aoude et al. 2014. PubMed ID: 24949998; Dudley et al. 2018. PubMed ID: 29360161). It was also identified in unrelated individuals with clinical features of Fanconi anemia including early childhood cancer. In vitro analysis of patient derived lymphoblastoid cells and fibroblasts indicated no detectable PALB2 protein levels (Reid et al. 2007. PubMed ID: 17200671). Experimental studies demonstrate that this variant disrupts PALB2 protein function (Oliver et al. 2009. PubMed ID: 19609323). This variant is reported in 0.0035% of alleles in individuals of European (non-Finnish) descent in gnomAD and it is reported in ClinVar as pathogenic (Variation ID: 128144). This variant is interpreted as pathogenic.

Otogenetics
Classification: Pathogenic for Breast-ovarian cancer, familial, susceptibility to, 5; Hereditary cancer-predisposing syndrome; Pancreatic cancer, susceptibility to, 3; Fanconi anemia complementation group N. Last evaluated: 2025-10-13. Review status: criteria provided, single submitter. Criteria: ACMG Guidelines, 2015. Collection method: clinical testing. Allele origin: germline. Not counted in ClinVar's aggregate classification.
Comment: PVS1: Stop gain variant introduces premature stop codon in gene with loss of function as mechanism of disease, coding for an alternative C-terminal end (PMID 40967221); PM2: Maximum gnomAD MAF of 0.0009% in European-Non Finnish (NFE) subpopulation (<0.187% threshold); PM3_Strong: Variant reported in trans with three other pathogenic variants in three patients affected with Fanconi anemia subtype N (PMID: 17200671)

CeGaT Center for Human Genetics Tuebingen
Classification: Pathogenic. Last evaluated: 2025-10-01. Review status: criteria provided, single submitter. Criteria: CeGaT Center For Human Genetics Tuebingen Variant Classification Criteria Version 2. Collection method: clinical testing. Allele origin: germline. Affected: yes. Observed: 1 variant allele. Not counted in ClinVar's aggregate classification.
Comment: PALB2: PM3:Strong, PVS1:Strong, PM1:Supporting, PM2:Supporting

Dasa
Classification: Pathogenic. Last evaluated: 2025-04-11. Review status: criteria provided, single submitter. Criteria: DASA Assertion Criteria. Collection method: clinical testing. Allele origin: germline. Not counted in ClinVar's aggregate classification.
Comment: NM_024675.4(PALB2):c.3549C>A (p.Tyr1183*) introduces a premature termination codon predicted to result in loss of normal protein function. Loss-of-function is an established mechanism of disease for this gene. Segregation evidence has been reported in affected families. This variant has been observed in affected individuals with related phenotype in a genotype context consistent with recessive disease (PMID: 17200671; PMID: 19609323; PMID: 31757951; PMID: 20927582; PMID: 21165770). This variant has been recurrently observed in individuals with related phenotype (PMID: 17200671; PMID: 19609323; PMID: 31757951; PMID: 20927582; PMID: 21165770). The variant is present at low frequency in population datasets. Based on the available data, this variant is classified as pathogenic.

NM_024675.4(PALB2):c.3549C>A (p.Tyr1183Ter)

Gene: PALB2 (partner and localizer of BRCA2; minus strand). Cytogenetic location: 16p12.2.
Variant type: single nucleotide variant.
Coding change: c.3549C>A on transcript NM_024675.4 (MANE Select); coding-DNA position 3549, C replaced by A.
Protein change: p.Tyr1183Ter; replaces tyrosine 1183 with a stop codon.
Molecular consequence: nonsense.
Genome position (GRCh38, 1-based): chr16:23,603,471, G>T on the plus strand (C>A on the coding strand, the complement: PALB2 is on the minus strand). VCF-style: chr16-23603471-G-T. GRCh37 (hg19) VCF-style: chr16-23614792-G-T.
Other names: p.Y1183*:TAC>TAA; NM_024675.4(PALB2):c.3549C>A; p.Tyr1183Ter; short protein forms Y1183*.
Identifiers: ClinVar variation 128144 (VCV000128144.65), dbSNP rs118203998, ClinGen allele CA288488.
Genomic context (GRCh38, chr16:23,603,471, plus strand): 5'-TAAGAGGCCCAATATATCCAGAAAATTGTGTTTTCACTTTACCCTAACTTATGAATAGTG[G>T]TATACAAATATATTTCCATCTTTTTGTCCAGCCAGCAAATGAGAGTCTGTACCCGACCAT-3'